The following is an entry in ClinVar:

NM_001353921.2(ARHGEF9):c.1138_1141del (p.Val380fs)

Gene: ARHGEF9 (Cdc42 guanine nucleotide exchange factor 9; minus strand). Cytogenetic location: Xq11.1.
Variant type: Deletion.
Coding change: c.1138_1141del on transcript NM_001353921.2 (MANE Select); coding-DNA positions 1138 to 1141, 4 bases deleted (GTAG; older notation c.1138_1141delGTAG).
Protein change: p.Val380fs; shifts the reading frame from valine 380.
Molecular consequence: frameshift variant. On other transcripts: intron variant (2).
Genome position (GRCh38, 1-based): chrX:63,655,674-63,655,677, CTAC deleted on the plus strand (GTAG on the coding strand, the reverse complement: ARHGEF9 is on the minus strand); deleting any 4 consecutive bases within chrX:63,655,674-63,655,679 gives the same sequence; the c. name uses the placement nearest the transcript's 3' end. VCF-style (leftmost placement, unchanged base first): chrX-63655673-ACTAC-A. GRCh37 (hg19) VCF-style: chrX-62875553-ACTAC-A.
Other names: c.958_961del, p.Val320fs (NM_001173479.2); c.811_814del, p.Val271fs (NM_001173480.2, NM_001369042.1); c.1054_1057del, p.Val352fs (NM_001330495.2, NM_001369033.1, NM_001369034.1 and 4 more transcripts); c.1006_1009del, p.Val336fs (NM_001353922.2); c.1156_1159del, p.Val386fs (NM_001353923.1); c.937_940del, p.Val313fs (NM_001353924.2, NM_001353926.2, NM_001369039.1 and 1 more transcripts); c.922_925del, p.Val308fs (NM_001353927.2, NM_001369041.1); c.985_988del, p.Val329fs (NM_001353928.2); and 3 more; short protein forms V191fs, V271fs, V308fs, V313fs, V320fs, V329fs, V336fs, V352fs.
Identifiers: ClinVar variation 4813417 (VCV004813417.1).

ClinVar aggregate classification (germline): Pathogenic (1 of 4 stars; one submission).

Conditions:
Developmental and epileptic encephalopathy, 8 (DEE8). Also called: HYPEREKPLEXIA AND EPILEPSY. Identifiers: Orphanet 163985, Orphanet 2076, MedGen C1845102, MONDO:0010375, OMIM 300607.

Submission:

Department of Human Genetics, Hannover Medical School
Classification: Pathogenic for Developmental and epileptic encephalopathy, 8. Last evaluated: 2026-03-18. Review status: criteria provided, single submitter. Criteria: ACMG Guidelines, 2015. Collection method: clinical testing. Allele origin: germline. Affected: yes.
Comment: PVS1, PS2_Supporting, PM2_Supporting